The following is an entry in ClinVar:

NM_020163.3(SEMA3G):c.2001C>T (p.Val667=)

Gene: SEMA3G (semaphorin 3G; minus strand). Cytogenetic location: 3p21.1.
Variant type: single nucleotide variant.
Coding change: c.2001C>T on transcript NM_020163.3 (MANE Select); coding-DNA position 2001, C replaced by T.
Protein change: p.Val667=; no amino-acid change (valine 667 retained).
Molecular consequence: synonymous variant.
Genome position (GRCh38, 1-based): chr3:52,435,951, G>A on the plus strand (C>T on the coding strand, the complement: SEMA3G is on the minus strand). VCF-style: chr3-52435951-G-A. GRCh37 (hg19) VCF-style: chr3-52469967-G-A.
Identifiers: ClinVar variation 3031803 (VCV003031803.2), dbSNP rs755223081, ClinGen allele CA2437739.

ClinVar aggregate classification (germline): Likely benign (0 of 4 stars; one submission).

Conditions:
SEMA3G-related disorder. Also called: SEMA3G-related condition.

Allele frequency attached by ClinVar (database versions not stated): gnomAD 0.00001; ExAC 0.00002.
gnomAD v4.1: 24 of 1,613,886 alleles (0.0015%); highest among the groups gnomAD compares: Admixed American, 0.013%; no homozygotes.

Submission:

PreventionGenetics, part of Exact Sciences
Classification: Likely benign for SEMA3G-related condition. Last evaluated: 2021-06-29. Review status: no assertion criteria provided. Collection method: clinical testing. Allele origin: germline.
Comment: This variant is classified as likely benign based on ACMG/AMP sequence variant interpretation guidelines (Richards et al. 2015 PMID: 25741868, with internal and published modifications).